The following is an entry in ClinVar:

NM_016953.4(PDE11A):c.1937del (p.Thr646fs)

Gene: PDE11A (phosphodiesterase 11A; minus strand). Cytogenetic location: 2q31.2.
Variant type: Deletion.
Coding change: c.1937del on transcript NM_016953.4 (MANE Select); coding-DNA position 1937, one base deleted (C; older notation c.1937delC).
Protein change: p.Thr646fs; shifts the reading frame from threonine 646.
Molecular consequence: frameshift variant.
Genome position (GRCh38, 1-based): chr2:177,727,764, G deleted on the plus strand (C on the coding strand, the reverse complement: PDE11A is on the minus strand). VCF-style (leftmost placement, unchanged base first): chr2-177727763-TG-T. GRCh37 (hg19) VCF-style: chr2-178592491-TG-T.
Other names: c.605del, p.Thr202fs (NM_001077196.2); c.1187del, p.Thr396fs (NM_001077197.2); c.863del, p.Thr288fs (NM_001077358.2); short protein forms T202fs, T288fs, T396fs, T646fs.
Identifiers: ClinVar variation 1308402 (VCV001308402.3), dbSNP rs2105447369, ClinGen allele CA2573051717.

ClinVar aggregate classification (germline): Uncertain significance (1 of 4 stars; one submission).

Submission:

GeneDx
Classification: Uncertain significance. Last evaluated: 2024-08-30. Review status: criteria provided, single submitter. Criteria: GeneDx Variant Classification Process June 2021. Collection method: clinical testing. Allele origin: germline. Affected: yes.
Comment: Not observed at significant frequency in large population cohorts (gnomAD); Frameshift variant predicted to result in protein truncation or nonsense mediated decay in a gene for which loss-of-function is not a known mechanism of disease; Has not been previously published as pathogenic or benign to our knowledge